The following is an entry in ClinVar:

ClinVar aggregate classification (germline): Pathogenic (1 of 4 stars; one submission).

Submission:

Labcorp Genetics (formerly Invitae), Labcorp
Classification: Pathogenic. Last evaluated: 2022-05-25. Review status: criteria provided, single submitter. Criteria: Invitae Variant Classification Sherloc (09022015). Collection method: clinical testing. Allele origin: germline.
Comment: This sequence change creates a premature translational stop signal (p.Val173Glyfs*5) in the TWNK gene. It is expected to result in an absent or disrupted protein product. Loss-of-function variants in TWNK are known to be pathogenic (PMID: 21681116, 27551684, 31455392). This variant has not been reported in the literature in individuals affected with TWNK-related conditions. This variant is not present in population databases (gnomAD no frequency). For these reasons, this variant has been classified as Pathogenic.

Literature cited by the submitters: PubMed 21681116; PubMed 27551684; PubMed 31455392.

NM_021830.5(TWNK):c.517dup (p.Val173fs)

Gene: TWNK (twinkle mtDNA helicase; plus strand). Cytogenetic location: 10q24.31.
Variant type: Duplication.
Coding change: c.517dup on transcript NM_021830.5 (MANE Select); coding-DNA position 517, one base duplicated (G; older notation c.517dupG).
Protein change: p.Val173fs; shifts the reading frame from valine 173.
Molecular consequence: frameshift variant. On other transcripts: non-coding transcript variant (4), intron variant (3).
Genome position (GRCh38, 1-based): chr10:100,988,727, G duplicated; the last of 2 consecutive G bases (chr10:100,988,726-100,988,727); duplicating either gives the same sequence. VCF-style (leftmost placement, unchanged base first): chr10-100988725-A-AG. GRCh37 (hg19) VCF-style: chr10-102748482-A-AG.
Other names: c.517dup, p.Val173fs (NM_001163812.2); c.-119-917dup (NM_001163814.2, NM_001163813.2); c.-57-979dup (NM_001368275.1); short protein forms V173fs.
Identifiers: ClinVar variation 1998741 (VCV001998741.4), dbSNP rs2493628798, ClinGen allele CA2580081108.
Genomic context (GRCh38, chr10:100,988,725, plus strand): 5'-AGGAGGTCCGGAGGATCTGGAACCGAGCAATACCTCTCTGGGAGCTGCCTGATCAGGAGG[A>AG]GGTTCAGCTGGCTGATACAATGTTTGGCCTTACCAAGGTTACAGATGACACACTCAAGCG-3'